The following is an entry in ClinVar:

ClinVar aggregate classification (germline): Pathogenic (1 of 4 stars; one submission).

Conditions:
Hereditary antithrombin deficiency (AT3D). Also called: Reduced antithrombin III activity; Antithrombin III deficiency; Thrombophilia due to antithrombin III deficiency; Antithrombin deficiency. Identifiers: Orphanet 82, MedGen C0272375, MONDO:0013144, OMIM 613118, HP:0001976.

Submission:

Labcorp Genetics (formerly Invitae), Labcorp
Classification: Pathogenic for Hereditary antithrombin deficiency. Last evaluated: 2022-01-11. Review status: criteria provided, single submitter. Criteria: Invitae Variant Classification Sherloc (09022015). Collection method: clinical testing. Allele origin: unknown.
Comment: For these reasons, this variant has been classified as Pathogenic. A similar copy number variant has been observed in individuals with antithrombin deficiency (PMID: 3663935, 10823268, 16956830, 24889358, 29153735). A gross deletion of the genomic region encompassing the full coding sequence of the SERPINC1 gene has been identified. Loss-of-function variants in SERPINC1 are known to be pathogenic (PMID: 21264449). The boundaries of this event are unknown as they extend beyond the assayed region for this gene and therefore may encompass additional genes.

Literature cited by the submitters: PubMed 3663935; PubMed 10823268; PubMed 16956830; PubMed 24889358; PubMed 29153735; PubMed 21264449.

NC_000001.10:g.(?_173873027)_(173962123_?)del

Genes: RC3H1 (ring finger and CCCH-type domains 1; minus strand), SERPINC1 (serpin family C member 1; minus strand). Cytogenetic location: 1q25.1.
Variant type: Deletion.
Identifiers: ClinVar variation 3247682 (VCV003247682.1).